The following is an entry in ClinVar:

NM_001385125.1(OPN1SW):c.292G>A (p.Val98Ile)

Gene: OPN1SW (opsin 1, short wave sensitive; minus strand). Cytogenetic location: 7q32.1.
Variant type: single nucleotide variant.
Coding change: c.292G>A on transcript NM_001385125.1 (MANE Select); coding-DNA position 292, G replaced by A.
Protein change: p.Val98Ile; replaces valine 98 with isoleucine.
Molecular consequence: missense variant.
Genome position (GRCh38, 1-based): chr7:128,775,490, C>T on the plus strand (G>A on the coding strand, the complement: OPN1SW is on the minus strand). VCF-style: chr7-128775490-C-T. GRCh37 (hg19) VCF-style: chr7-128415544-C-T.
Other names: short protein forms V98I.
Identifiers: ClinVar variation 1036911 (VCV001036911.9), dbSNP rs144524727, ClinGen allele CA4472995.

ClinVar aggregate classification (germline): Uncertain significance (1 of 4 stars; one submission).

Allele frequency attached by ClinVar (database versions not stated): gnomAD exomes 0.00002; ExAC 0.00003; gnomAD 0.00005; TOPMed 0.00005; ESP Exome Variant Server 0.00008; 1000 Genomes Project 30x 0.00016; 1000 Genomes Project 0.00020.

Submission:

Labcorp Genetics (formerly Invitae), Labcorp
Classification: Uncertain significance. Last evaluated: 2025-11-23. Review status: criteria provided, single submitter. Criteria: Invitae Variant Classification Sherloc (09022015). Collection method: clinical testing. Allele origin: germline.
Comment: This sequence change replaces valine, which is neutral and non-polar, with isoleucine, which is neutral and non-polar, at codon 101 of the OPN1SW protein (p.Val101Ile). This variant is present in population databases (rs144524727, gnomAD 0.004%). This variant has not been reported in the literature in individuals affected with OPN1SW-related conditions. ClinVar contains an entry for this variant (Variation ID: 1036911). An algorithm developed to predict the effect of missense changes on protein structure and function outputs the following: PolyPhen-2: "Benign". The isoleucine amino acid residue is found in multiple mammalian species, which suggests that this missense change does not adversely affect protein function. In summary, the available evidence is currently insufficient to determine the role of this variant in disease. Therefore, it has been classified as a Variant of Uncertain Significance.